The following is an entry in ClinVar:

ClinVar aggregate classification (germline): Uncertain significance (1 of 4 stars; one submission).

Conditions:
Dyskeratosis congenita, autosomal dominant 2. Identifiers: MedGen C3151443, MONDO:0013521, OMIM 613989.
Idiopathic Pulmonary Fibrosis. Also called: Idiopathic fibrosing alveolitis, chronic form; idiopathic fibrosing alveolitis. Identifiers: Orphanet 2032, MedGen C1800706, MeSH D054990, MONDO:0800504.

Allele frequency attached by ClinVar (database versions not stated): gnomAD exomes below 0.00001 and 0.00001; TOPMed below 0.00001.
gnomAD v4.1: 9 of 1,614,208 alleles (0.00056%); highest among the groups gnomAD compares: Non-Finnish European, 0.00068%; no homozygotes.

Submission:

Labcorp Genetics (formerly Invitae), Labcorp
Classification: Uncertain significance for Dyskeratosis congenita, autosomal dominant 2; Idiopathic Pulmonary Fibrosis. Last evaluated: 2026-01-21. Review status: criteria provided, single submitter. Criteria: Invitae Variant Classification Sherloc (09022015). Collection method: clinical testing. Allele origin: germline.
Comment: This sequence change replaces cysteine, which is neutral and slightly polar, with tyrosine, which is neutral and polar, at codon 982 of the TERT protein (p.Cys982Tyr). This variant is not present in population databases (gnomAD no frequency). This missense change has been observed in individual(s) with idiopathic pulmonary fibrosis (internal data). ClinVar contains an entry for this variant (Variation ID: 1417071). Invitae Evidence Modeling of protein sequence and biophysical properties (such as structural, functional, and spatial information, amino acid conservation, physicochemical variation, residue mobility, and thermodynamic stability) indicates that this missense variant is expected to disrupt TERT protein function with a positive predictive value of 95%. This variant disrupts the p.Cys982 amino acid residue in TERT. Other variant(s) that disrupt this residue have been observed in individuals with TERT-related conditions (internal data), which suggests that this may be a clinically significant amino acid residue. In summary, the available evidence is currently insufficient to determine the role of this variant in disease. Therefore, it has been classified as a Variant of Uncertain Significance.

NM_198253.3(TERT):c.2945G>A (p.Cys982Tyr)

Gene: TERT (telomerase reverse transcriptase; minus strand). Cytogenetic location: 5p15.33.
Variant type: single nucleotide variant.
Coding change: c.2945G>A on transcript NM_198253.3 (MANE Select); coding-DNA position 2945, G replaced by A.
Protein change: p.Cys982Tyr; replaces cysteine 982 with tyrosine.
Molecular consequence: missense variant. On other transcripts: non-coding transcript variant (2).
Genome position (GRCh38, 1-based): chr5:1,260,499, C>T on the plus strand (G>A on the coding strand, the complement: TERT is on the minus strand). VCF-style: chr5-1260499-C-T. GRCh37 (hg19) VCF-style: chr5-1260614-C-T.
Other names: c.2756G>A, p.Cys919Tyr (NM_001193376.3); short protein forms C982Y, C919Y.
Identifiers: ClinVar variation 1417071 (VCV001417071.8), dbSNP rs1554038806, ClinGen allele CA359069770.